The following is an entry in ClinVar:

NM_006915.3(RP2):c.788del (p.Phe263fs)

Gene: RP2 (RP2 activator of ARL3 GTPase; plus strand). Cytogenetic location: Xp11.3.
Variant type: Deletion.
Coding change: c.788del on transcript NM_006915.3 (MANE Select); coding-DNA position 788, one base deleted (T; older notation c.788delT).
Protein change: p.Phe263fs; shifts the reading frame from phenylalanine 263.
Molecular consequence: frameshift variant.
Genome position (GRCh38, 1-based): chrX:46,860,007, T deleted; the last of 5 consecutive T bases (chrX:46,860,003-46,860,007); deleting any one gives the same sequence. VCF-style (leftmost placement, unchanged base first): chrX-46860002-CT-C. GRCh37 (hg19) VCF-style: chrX-46719437-CT-C.
Other names: short protein forms F263fs.
Identifiers: ClinVar variation 2018448 (VCV002018448.4), dbSNP rs2519918555, ClinGen allele CA2579593079.
Genomic context (GRCh38, chrX:46,860,002, plus strand): 5'-TCTCAGAAGTTCATTTTAAAATCTCAATGAAATTTTATTTTCACAGATGGTTGGTAAAGG[CT>C]TTTTCCTAGTTCAGACAAAGGAAGTGTCCATGAAAGCTGAGGATGCTCAAAGGGTTTTTC-3'

ClinVar aggregate classification (germline): Pathogenic (1 of 4 stars; one submission).

Submission:

Labcorp Genetics (formerly Invitae), Labcorp
Classification: Pathogenic. Last evaluated: 2022-07-20. Review status: criteria provided, single submitter. Criteria: Invitae Variant Classification Sherloc (09022015). Collection method: clinical testing. Allele origin: germline.
Comment: For these reasons, this variant has been classified as Pathogenic. This variant has not been reported in the literature in individuals affected with RP2-related conditions. This variant is not present in population databases (gnomAD no frequency). This sequence change creates a premature translational stop signal (p.Phe263Serfs*2) in the RP2 gene. It is expected to result in an absent or disrupted protein product. Loss-of-function variants in RP2 are known to be pathogenic (PMID: 11992260, 20625056).

Literature cited by the submitters: PubMed 11992260; PubMed 20625056.